The following is an entry in ClinVar:

ClinVar aggregate classification (germline): Pathogenic (1 of 4 stars; one submission).

Conditions:
Arrhythmogenic cardiomyopathy with wooly hair and keratoderma. Also called: Arrhythmogenic cardiomyopathy with woolly hair and keratoderma; PALMOPLANTAR KERATODERMA WITH LEFT VENTRICULAR CARDIOMYOPATHY AND WOOLLY HAIR; Carvajal syndrome; Dilated cardiomyopathy with woolly hair and keratoderma. Identifiers: Orphanet 65282, MedGen C1854063, MONDO:0011581, OMIM 605676.
Arrhythmogenic right ventricular dysplasia 8 (ARVD8). Also called: Arrhythmogenic Right Ventricular Dysplasia/Cardiomyopathy 8; ARRHYTHMOGENIC RIGHT VENTRICULAR DYSPLASIA, FAMILIAL, 8; ARRHYTHMOGENIC RIGHT VENTRICULAR CARDIOMYOPATHY 8. Identifiers: MedGen C1843896, MONDO:0011831, OMIM 607450.

Submission:

Labcorp Genetics (formerly Invitae), Labcorp
Classification: Pathogenic for Arrhythmogenic cardiomyopathy with wooly hair and keratoderma; Arrhythmogenic right ventricular dysplasia 8. Last evaluated: 2025-02-10. Review status: criteria provided, single submitter. Criteria: Invitae Variant Classification Sherloc (09022015). Collection method: clinical testing. Allele origin: germline.
Comment: This sequence change creates a premature translational stop signal (p.Gly2376Aspfs*3) in the DSP gene. While this is not anticipated to result in nonsense mediated decay, it is expected to disrupt the last 496 amino acid(s) of the DSP protein. This variant is not present in population databases (gnomAD no frequency). This variant has not been reported in the literature in individuals affected with DSP-related conditions. This variant disrupts a region of the DSP protein in which other variant(s) (p.Tyr2731Trpfs*5) have been determined to be pathogenic (PMID: 21859740, 32164419; internal data). This suggests that this is a clinically significant region of the protein, and that variants that disrupt it are likely to be disease-causing. For these reasons, this variant has been classified as Pathogenic.

Literature cited by the submitters: PubMed 21859740; PubMed 32164419.

NM_004415.4(DSP):c.7127_7128del (p.Gly2376fs)

Gene: DSP (desmoplakin; plus strand). Cytogenetic location: 6p24.3.
Variant type: Deletion.
Coding change: c.7127_7128del on transcript NM_004415.4 (MANE Select); coding-DNA positions 7127 to 7128, 2 bases deleted (GG; older notation c.7127_7128delGG).
Protein change: p.Gly2376fs; shifts the reading frame from glycine 2376.
Molecular consequence: frameshift variant.
Genome position (GRCh38, 1-based): chr6:7,584,389-7,584,390, GG deleted; deleting any 2 consecutive bases within chr6:7,584,385-7,584,390 gives the same sequence; the c. name uses the placement nearest the transcript's 3' end. VCF-style (leftmost placement, unchanged base first): chr6-7584384-CGG-C. GRCh37 (hg19) VCF-style: chr6-7584617-CGG-C.
Other names: c.5330_5331del, p.Gly1777fs (NM_001008844.3); c.5798_5799del, p.Gly1933fs (NM_001319034.2); short protein forms G1777fs, G1933fs, G2376fs.
Identifiers: ClinVar variation 3760400 (VCV003760400.2).
Genomic context (GRCh38, chr6:7,584,384, plus strand): 5'-GAATAAGGAACTCATCGAAAAGGGCCACGGTATTCGCTTATTAGAAGCACAGATCGCAAC[CGG>C]GGGGATCATTGACCCAAAGGAGAGCCATCGTTTACCAGTTGACATAGCATATAAGAGGGG-3'